The following is an entry in ClinVar:

NM_001111.5(ADAR):c.1132G>T (p.Ala378Ser)

Gene: ADAR (adenosine deaminase RNA specific; minus strand). Cytogenetic location: 1q21.3.
Variant type: single nucleotide variant.
Coding change: c.1132G>T on transcript NM_001111.5 (MANE Select); coding-DNA position 1132, G replaced by T.
Protein change: p.Ala378Ser; replaces alanine 378 with serine.
Molecular consequence: missense variant.
Genome position (GRCh38, 1-based): chr1:154,601,510, C>A on the plus strand (G>T on the coding strand, the complement: ADAR is on the minus strand). VCF-style: chr1-154601510-C-A. GRCh37 (hg19) VCF-style: chr1-154573986-C-A.
Other names: c.247G>T, p.Ala83Ser (NM_001365049.1, NM_001025107.3, NM_001193495.2 and 3 more transcripts); c.1132G>T, p.Ala378Ser (NM_015840.4, NM_015841.4); c.1159G>T, p.Ala387Ser (NM_001365045.1); short protein forms A387S, A378S, A83S.
Identifiers: ClinVar variation 1950922 (VCV001950922.5), dbSNP rs1260275454, ClinGen allele CA342598515.

ClinVar aggregate classification (germline): Uncertain significance (1 of 4 stars; one submission).

Conditions:
Symmetrical dyschromatosis of extremities (DSH). Also called: DYSCHROMATOSIS SYMMETRICA HEREDITARIA 1; Dyschromatosis symmetrica hereditaria; RETICULATE ACROPIGMENTATION OF DOHI; SYMMETRIC DYSCHROMATOSIS OF THE EXTREMITIES. Identifiers: Orphanet 41, MedGen C0406775, MONDO:0007483, OMIM 127400.
Aicardi-Goutieres syndrome 6 (AGS6). Identifiers: Orphanet 51, MedGen C3539013, MONDO:0014007, OMIM 615010.

Allele frequency attached by ClinVar (database versions not stated): gnomAD exomes 0.00001.
gnomAD v4.1: 4 of 1,613,986 alleles (0.00025%); highest among the groups gnomAD compares: Admixed American, 0.0067%; no homozygotes.

Submission:

Labcorp Genetics (formerly Invitae), Labcorp
Classification: Uncertain significance for Aicardi-Goutieres syndrome 6; Symmetrical dyschromatosis of extremities. Last evaluated: 2024-09-04. Review status: criteria provided, single submitter. Criteria: Invitae Variant Classification Sherloc (09022015). Collection method: clinical testing. Allele origin: germline.
Comment: This sequence change replaces alanine, which is neutral and non-polar, with serine, which is neutral and polar, at codon 378 of the ADAR protein (p.Ala378Ser). This variant is present in population databases (no rsID available, gnomAD 0.003%). This variant has not been reported in the literature in individuals affected with ADAR-related conditions. ClinVar contains an entry for this variant (Variation ID: 1950922). Invitae Evidence Modeling of protein sequence and biophysical properties (such as structural, functional, and spatial information, amino acid conservation, physicochemical variation, residue mobility, and thermodynamic stability) indicates that this missense variant is not expected to disrupt ADAR protein function with a negative predictive value of 80%. In summary, the available evidence is currently insufficient to determine the role of this variant in disease. Therefore, it has been classified as a Variant of Uncertain Significance.